The following is an entry in ClinVar:

ClinVar aggregate classification (germline): Uncertain significance (1 of 4 stars; one submission).

Submission:

Ambry Genetics
Classification: Uncertain significance. Last evaluated: 2025-05-03. Review status: criteria provided, single submitter. Criteria: Ambry Variant Classification Scheme 2023. Collection method: clinical testing. Allele origin: germline.
Comment: The p.K1392N variant (also known as c.4176G>C), located in coding exon 33 of the A2ML1 gene, results from a G to C substitution at nucleotide position 4176. The lysine at codon 1392 is replaced by asparagine, an amino acid with similar properties. This amino acid position is conserved. In addition, this alteration is predicted to be tolerated by in silico analysis. Based on the available evidence, the clinical significance of this variant remains unclear.

NM_144670.6(A2ML1):c.4176G>C (p.Lys1392Asn)

Gene: A2ML1 (alpha-2-macroglobulin like 1; plus strand). Cytogenetic location: 12p13.31.
Variant type: single nucleotide variant.
Coding change: c.4176G>C on transcript NM_144670.6 (MANE Select); coding-DNA position 4176, G replaced by C.
Protein change: p.Lys1392Asn; replaces lysine 1392 with asparagine.
Molecular consequence: missense variant.
Genome position (GRCh38, 1-based): chr12:8,869,158, G>C. VCF-style: chr12-8869158-G-C. GRCh37 (hg19) VCF-style: chr12-9021754-G-C.
Other names: c.2703G>C, p.Lys901Asn (NM_001282424.3); short protein forms K901N, K1392N.
Identifiers: ClinVar variation 4054424 (VCV004054424.1).